The following is an entry in ClinVar:

NC_012920.1(MT-RNR1):m.1243T>C

Gene: MT-RNR1 (mitochondrially encoded 12S RNA; plus strand).
Variant type: single nucleotide variant.
Genome position: chrM-1243-T-C.
Identifiers: ClinVar variation 42212 (VCV000042212.6), dbSNP rs28358572, ClinGen allele CA344658.

ClinVar aggregate classification (germline): Benign/Likely benign. Review status: criteria provided, multiple submitters, no conflicts (2 of 4 stars). 3 submissions from 3 submitters: Benign (2); Likely benign (1). Last evaluated 2025-02-16.

Submissions (3):

Laboratory of Genetics, Children's Clinical University Hospital Latvia
Classification: Likely benign. Last evaluated: 2025-02-16. Review status: criteria provided, single submitter. Criteria: ACMG Guidelines, 2015. Collection method: clinical testing. Allele origin: germline. Affected: yes.

Athena Diagnostics
Classification: Benign. Last evaluated: 2019-02-13. Review status: criteria provided, single submitter. Criteria: Athena Diagnostics Criteria. Collection method: clinical testing. Allele origin: germline.

Laboratory for Molecular Medicine, Mass General Brigham Personalized Medicine
Classification: Benign. Last evaluated: 2008-03-28. Review status: criteria provided, single submitter. Criteria: LMM Criteria. Collection method: clinical testing. Allele origin: germline. Observed: 28 variant alleles.
Comment: m.1243T>C in MT-RNR1: This variant is not expected to have clinical significance because it has been identified in 2.15% (57/2647) individuals, mainly of Europe an decent (also San, African, Asian, and Indian) (MitoMap: g; mtDB). Since the rate of hearing loss i s less than 2.15% in the general population we have classified this variant as b enign.

Literature cited by the submitters: PubMed 16807713 (cited by Athena Diagnostics); PubMed 16738010 (cited by Athena Diagnostics); PubMed 17517629 (cited by Athena Diagnostics); PubMed 19900585 (cited by Athena Diagnostics); PubMed 21296687 (cited by Athena Diagnostics); PubMed 21129724 (cited by Athena Diagnostics); PubMed 26262956 (cited by Athena Diagnostics); PubMed 22258525 (cited by Athena Diagnostics); PubMed 24153443 (cited by Athena Diagnostics); PubMed 24986921 (cited by Athena Diagnostics); PubMed 26428318 (cited by Athena Diagnostics); PubMed 28187756 (cited by Athena Diagnostics); PubMed 29330893 (cited by Athena Diagnostics); PubMed 28708239 (cited by Athena Diagnostics); PubMed 26660354 (cited by Athena Diagnostics); PubMed 11245424 (cited by Laboratory for Molecular Medicine, Mass General Brigham Personalized Medicine).